The following is an entry in ClinVar:

NM_003995.4(NPR2):c.1055T>C (p.Ile352Thr)

Gene: NPR2 (natriuretic peptide receptor 2; plus strand). Cytogenetic location: 9p13.3.
Variant type: single nucleotide variant.
Coding change: c.1055T>C on transcript NM_003995.4 (MANE Select); coding-DNA position 1055, T replaced by C.
Protein change: p.Ile352Thr; replaces isoleucine 352 with threonine.
Molecular consequence: missense variant.
Genome position (GRCh38, 1-based): chr9:35,800,089, T>C. VCF-style: chr9-35800089-T-C. GRCh37 (hg19) VCF-style: chr9-35800086-T-C.
Other names: c.1055T>C, p.Ile352Thr (NM_001378923.1); short protein forms I352T.
Identifiers: ClinVar variation 2001296 (VCV002001296.4), dbSNP rs2491043807, ClinGen allele CA373369968.

ClinVar aggregate classification (germline): Uncertain significance (1 of 4 stars; one submission).

Conditions:
Tall stature-scoliosis-macrodactyly of the great toes syndrome. Also called: Epiphyseal chondrodysplasia, miura type. Identifiers: Orphanet 329191, MedGen C4014690, MONDO:0014401, OMIM 615923.
Acromesomelic dysplasia 1, Maroteaux type (AMD1). Also called: ACROMESOMELIC DYSPLASIA 1; ST. HELENA DYSPLASIA. Identifiers: Orphanet 40, MedGen C1864356, MONDO:0011275, OMIM 602875.

Submission:

Labcorp Genetics (formerly Invitae), Labcorp
Classification: Uncertain significance for Tall stature-scoliosis-macrodactyly of the great toes syndrome; Acromesomelic dysplasia 1, Maroteaux type. Last evaluated: 2022-05-31. Review status: criteria provided, single submitter. Criteria: Invitae Variant Classification Sherloc (09022015). Collection method: clinical testing. Allele origin: germline.
Comment: This variant has not been reported in the literature in individuals affected with NPR2-related conditions. This variant is not present in population databases (gnomAD no frequency). This sequence change replaces isoleucine, which is neutral and non-polar, with threonine, which is neutral and polar, at codon 352 of the NPR2 protein (p.Ile352Thr). Algorithms developed to predict the effect of missense changes on protein structure and function are either unavailable or do not agree on the potential impact of this missense change (SIFT: "Deleterious"; PolyPhen-2: "Benign"; Align-GVGD: "Class C65"). In summary, the available evidence is currently insufficient to determine the role of this variant in disease. Therefore, it has been classified as a Variant of Uncertain Significance.